The following is an entry in ClinVar:

ClinVar aggregate classification (germline): Uncertain significance (1 of 4 stars; one submission).

Conditions:
Cardiovascular phenotype. Identifiers: MedGen CN230736.

Submission:

Ambry Genetics
Classification: Uncertain significance for Cardiovascular phenotype. Last evaluated: 2026-08-29. Review status: criteria provided, single submitter. Criteria: Ambry Variant Classification Scheme 2023. Collection method: clinical testing. Allele origin: germline.
Comment: The p.N16S variant (also known as c.47A>G), located in coding exon 1 of the TBX20 gene, results from an A to G substitution at nucleotide position 47. The asparagine at codon 16 is replaced by serine, an amino acid with highly similar properties. This amino acid position is conserved. In addition, this alteration is predicted to be tolerated by in silico analysis. Based on the available evidence, the clinical significance of this variant remains unclear.

NM_001077653.2(TBX20):c.47A>G (p.Asn16Ser)

Gene: TBX20 (T-box transcription factor 20; minus strand). Cytogenetic location: 7p14.2.
Variant type: single nucleotide variant.
Coding change: c.47A>G on transcript NM_001077653.2 (MANE Select); coding-DNA position 47, A replaced by G.
Protein change: p.Asn16Ser; replaces asparagine 16 with serine.
Molecular consequence: missense variant.
Genome position (GRCh38, 1-based): chr7:35,253,574, T>C on the plus strand (A>G on the coding strand, the complement: TBX20 is on the minus strand). VCF-style: chr7-35253574-T-C. GRCh37 (hg19) VCF-style: chr7-35293185-T-C.
Other names: c.47A>G, p.Asn16Ser (NM_001166220.1); short protein forms N16S.
Identifiers: ClinVar variation 3966269 (VCV003966269.2).